The following is an entry in ClinVar:

NM_000292.3(PHKA2):c.918+1G>A

Gene: PHKA2 (phosphorylase kinase regulatory subunit alpha 2; minus strand). Cytogenetic location: Xp22.13.
Variant type: single nucleotide variant.
Coding change: c.918+1G>A on transcript NM_000292.3 (MANE Select); the canonical splice donor site of the intron after coding-DNA position 918, G replaced by A.
Molecular consequence: splice donor variant.
Genome position (GRCh38, 1-based): chrX:18,939,994, C>T on the plus strand (G>A on the coding strand, the complement: PHKA2 is on the minus strand). VCF-style: chrX-18939994-C-T. GRCh37 (hg19) VCF-style: chrX-18958112-C-T.
Other names: c.918+1G>A (NM_000292.2).
Identifiers: ClinVar variation 694638 (VCV000694638.33), dbSNP rs1601760689, ClinGen allele CA412397167.
Genomic context (GRCh38, chrX:18,939,994, plus strand): 5'-ACATTGGCAACTTAGAGATGAAACAGTTGAGGAAAGATAAGAAACAATATTTAAATACAA[C>T]CTCTCTTGGAGTTTTATAACCATCTCGAAGGAAGCGACAGCATCCATAACGCCCCTAATA-3'

ClinVar aggregate classification (germline): Pathogenic/Likely pathogenic. Review status: criteria provided, multiple submitters, no conflicts (2 of 4 stars). 4 submissions from 4 submitters: Pathogenic (1); Likely pathogenic (1). 2 of the submissions do not count toward it. Last evaluated 2023-05-16.

Conditions:
Increased hepatic glycogen content. Identifiers: MedGen C1856285, HP:0006568.
Glycogen storage disease IXa1. Also called: GLYCOGEN STORAGE DISEASE VIII; GSD VIII; Glycogen storage disease 8; LIVER GLYCOGENOSIS, X-LINKED, TYPE I. Identifiers: Orphanet 264580, MedGen C3694531, MONDO:0010598, OMIM 306000.

Submissions (4):

GeneDx
Classification: Likely pathogenic. Last evaluated: 2023-05-16. Review status: criteria provided, single submitter. Criteria: GeneDx Variant Classification Process June 2021. Collection method: clinical testing. Allele origin: germline. Affected: yes.
Comment: Canonical splice site variant predicted to result in an in-frame loss of the adjacent exon in a gene for which loss of function is a known mechanism of disease; Not observed at significant frequency in large population cohorts (gnomAD); This variant is associated with the following publications: (PMID: 32244026)

Labcorp Genetics (formerly Invitae), Labcorp
Classification: Pathogenic for Glycogen storage disease IXa1. Last evaluated: 2023-03-08. Review status: criteria provided, single submitter. Criteria: Invitae Variant Classification Sherloc (09022015). Collection method: clinical testing. Allele origin: germline.
Comment: Disruption of this splice site has been observed in individuals with clinical features of PHKA2-related conditions (PMID: 32244026; Invitae). ClinVar contains an entry for this variant (Variation ID: 694638). Algorithms developed to predict the effect of sequence changes on RNA splicing suggest that this variant may disrupt the consensus splice site. For these reasons, this variant has been classified as Pathogenic. This variant is not present in population databases (gnomAD no frequency). This sequence change affects a donor splice site in intron 9 of the PHKA2 gene. It is expected to disrupt RNA splicing. Variants that disrupt the donor or acceptor splice site typically lead to a loss of protein function (PMID: 16199547), and loss-of-function variants in PHKA2 are known to be pathogenic (PMID: 7711737, 10330341).

QSNICH Molecular Lab, Queen Sirikit National Institute of Child Health
Classification: Likely pathogenic for Increased hepatic glycogen content. Last evaluated: 2022-07-01. Review status: no assertion criteria provided. Collection method: clinical testing. Allele origin: germline. Inheritance: X-linked recessive inheritance. Affected: yes. Observed: 1 variant allele, 1 hemizygote. Not counted in ClinVar's aggregate classification.

Molecular Diagnostics Laboratory, Seoul National University Hospital
Classification: Pathogenic for Glycogen storage disease type IXa1. Last evaluated: 2019-11-11. Review status: no assertion criteria provided. Collection method: clinical testing. Allele origin: germline. Affected: yes. Not counted in ClinVar's aggregate classification.

Literature cited by the submitters: PubMed 32244026 (cited by Labcorp Genetics (formerly Invitae), Labcorp); PubMed 16199547 (cited by Labcorp Genetics (formerly Invitae), Labcorp); PubMed 7711737 (cited by Labcorp Genetics (formerly Invitae), Labcorp); PubMed 10330341 (cited by Labcorp Genetics (formerly Invitae), Labcorp).